The following is an entry in ClinVar:

ClinVar aggregate classification (germline): Uncertain significance. Review status: criteria provided, multiple submitters, no conflicts (2 of 4 stars). 2 submissions from 2 submitters: Uncertain significance (2). Last evaluated 2025-11-26.

Allele frequency attached by ClinVar (database versions not stated): ExAC 0.00002; ESP Exome Variant Server 0.00008; gnomAD exomes 0.00003 and 0.00011; gnomAD 0.00004 and 0.00003; TOPMed 0.00005.
gnomAD v4.1: 166 of 1,614,026 alleles (0.01%); highest among the groups gnomAD compares: Non-Finnish European, 0.013%; no homozygotes.

Submissions (2):

Ambry Genetics
Classification: Uncertain significance. Last evaluated: 2025-11-26. Review status: criteria provided, single submitter. Criteria: Ambry Variant Classification Scheme 2023. Collection method: clinical testing. Allele origin: germline.

ARUP Laboratories, Molecular Genetics and Genomics, ARUP Laboratories
Classification: Uncertain significance. Last evaluated: 2018-11-30. Review status: criteria provided, single submitter. Criteria: ARUP Molecular Germline Variant Investigation Process. Collection method: clinical testing. Allele origin: germline.
Comment: The UGT1A7 c.123G>A; p.Met41Ile variant (rs373408916), to our knowledge, is not reported in the medical literature or gene specific databases. This variant is found in the general population with an overall allele frequency of 0.003% (9/282762 alleles) in the Genome Aggregation Database. The methionine at codon 41 is moderately conserved but computational analyses (SIFT: tolerated, PolyPhen-2: possibly damaging) predict conflicting effects of this variant on protein structure/function. Due to limited information, the clinical significance of this variant is uncertain at this time.

NM_019077.3(UGT1A7):c.123G>A (p.Met41Ile)

Genes: UGT1A (UDP glucuronosyltransferase family 1 member A complex locus; plus strand), UGT1A10 (UDP glucuronosyltransferase family 1 member A10; plus strand), UGT1A8 (UDP glucuronosyltransferase family 1 member A8; plus strand), UGT1A7 (UDP glucuronosyltransferase family 1 member A7; plus strand), UGT1A9 (UDP glucuronosyltransferase family 1 member A9; plus strand). Cytogenetic location: 2q37.1.
Variant type: single nucleotide variant.
Coding change: c.123G>A on transcript NM_019077.3 (MANE Select); coding-DNA position 123, G replaced by A.
Protein change: p.Met41Ile; replaces methionine 41 with isoleucine.
Molecular consequence: missense variant. On other transcripts: intron variant (3).
Genome position (GRCh38, 1-based): chr2:233,682,060, G>A. VCF-style: chr2-233682060-G-A. GRCh37 (hg19) VCF-style: chr2-234590706-G-A.
Other names: c.855+63498G>A (NM_019076.5); c.855+44683G>A (NM_019075.4); c.855+9271G>A (NM_021027.3); short protein forms M41I.
Identifiers: ClinVar variation 811843 (VCV000811843.9), dbSNP rs373408916, ClinGen allele CA2178201.